The following is an entry in ClinVar:

NM_001135649.3(FOXI3):c.14G>A (p.Cys5Tyr)

Gene: FOXI3 (forkhead box I3; minus strand). Cytogenetic location: 2p11.2.
Variant type: single nucleotide variant.
Coding change: c.14G>A on transcript NM_001135649.3 (MANE Select); coding-DNA position 14, G replaced by A.
Protein change: p.Cys5Tyr; replaces cysteine 5 with tyrosine.
Molecular consequence: missense variant.
Genome position (GRCh38, 1-based): chr2:88,452,522, C>T on the plus strand (G>A on the coding strand, the complement: FOXI3 is on the minus strand). VCF-style: chr2-88452522-C-T. GRCh37 (hg19) VCF-style: chr2-88752040-C-T.
Other names: c.14G>A (NM_001135649.1); short protein forms C5Y.
Identifiers: ClinVar variation 3610071 (VCV003610071.3).

ClinVar aggregate classification (germline): Uncertain significance. Review status: criteria provided, multiple submitters, no conflicts (2 of 4 stars). 2 submissions from 2 submitters: Uncertain significance (2). Last evaluated 2025-02-07.

Conditions:
Inborn genetic diseases. Identifiers: MedGen C0950123, MeSH D030342.

Submissions (2):

Ambry Genetics
Classification: Uncertain significance for Inborn genetic diseases. Last evaluated: 2025-02-07. Review status: criteria provided, single submitter. Criteria: Ambry Variant Classification Scheme 2023. Collection method: clinical testing. Allele origin: germline.

Labcorp Genetics (formerly Invitae), Labcorp
Classification: Uncertain significance. Last evaluated: 2024-02-14. Review status: criteria provided, single submitter. Criteria: Invitae Variant Classification Sherloc (09022015). Collection method: clinical testing. Allele origin: germline.
Comment: This sequence change replaces cysteine, which is neutral and slightly polar, with tyrosine, which is neutral and polar, at codon 5 of the FOXI3 protein (p.Cys5Tyr). The frequency data for this variant in the population databases is considered unreliable, as metrics indicate insufficient coverage at this position in the gnomAD database. This variant has not been reported in the literature in individuals affected with FOXI3-related conditions. Experimental studies and prediction algorithms are not available or were not evaluated, and the functional significance of this variant is currently unknown. In summary, the available evidence is currently insufficient to determine the role of this variant in disease. Therefore, it has been classified as a Variant of Uncertain Significance.